The following is an entry in ClinVar:

ClinVar aggregate classification (germline): Uncertain significance (1 of 4 stars; one submission).

gnomAD v4.1: 11 of 1,599,732 alleles (0.00069%); highest among the groups gnomAD compares: Non-Finnish European, 0.00094%; no homozygotes.

Submission:

Women's Health and Genetics/Laboratory Corporation of America, LabCorp
Classification: Uncertain significance. Last evaluated: 2025-10-16. Review status: criteria provided, single submitter. Criteria: LabCorp Variant Classification Summary - May 2015. Collection method: clinical testing. Allele origin: germline.
Comment: Variant summary: SETD5 c.2323G>A (p.Gly775Ser) results in a non-conservative amino acid change in the encoded protein sequence. Algorithms developed to predict the effect of missense changes on protein structure and function are either unavailable or do not agree on the potential impact of this missense change. The variant allele was found at a frequency of 4.2e-06 in 235788 control chromosomes. The available data on variant occurrences in the general population are insufficient to allow any conclusion about variant significance. To our knowledge, no occurrence of c.2323G>A in individuals affected with SETD5-related conditions and no experimental evidence demonstrating its impact on protein function have been reported. No submitters have cited clinical-significance assessments for this variant to ClinVar. Based on the evidence outlined above, the variant was classified as uncertain significance.

NM_001080517.3(SETD5):c.2323G>A (p.Gly775Ser)

Gene: SETD5 (SET domain containing 5; plus strand). Cytogenetic location: 3p25.3.
Variant type: single nucleotide variant.
Coding change: c.2323G>A on transcript NM_001080517.3 (MANE Select); coding-DNA position 2323, G replaced by A.
Protein change: p.Gly775Ser; replaces glycine 775 with serine.
Molecular consequence: missense variant.
Genome position (GRCh38, 1-based): chr3:9,448,607, G>A. VCF-style: chr3-9448607-G-A. GRCh37 (hg19) VCF-style: chr3-9490291-G-A.
Other names: c.2029G>A, p.Gly677Ser (NM_001292043.2, NM_001349451.2); c.2419G>A, p.Gly807Ser (NM_001437633.1); c.2380G>A, p.Gly794Ser (NM_001437635.1); c.2323G>A, p.Gly775Ser (NM_001437643.1); c.2362G>A, p.Gly788Ser (NM_001437701.1); short protein forms G677S, G775S, G788S, G794S, G807S.
Identifiers: ClinVar variation 4687244 (VCV004687244.1).